The following is an entry in ClinVar:

ClinVar aggregate classification (germline): Conflicting classifications of pathogenicity. Review status: criteria provided, conflicting classifications (1 of 4 stars). 4 submissions from 4 submitters: Pathogenic (2); Likely pathogenic (1); Uncertain significance (1). Last evaluated 2024-12-02.

Conditions:
Mitochondrial complex I deficiency, nuclear type 4. Also called: Mitochondrial complex 1 deficiency, nuclear type 4. Identifiers: MedGen C4748753, MONDO:0032609, OMIM 618225.
Leigh syndrome (NULS). Also called: Subacute necrotizing encephalopathy; Necrotizing encephalopathy infantile subacute of Leigh; Leigh's syndrome; Leigh Disease; LEIGH SYNDROME, NUCLEAR; Leigh's necrotizing encephalopathy. Identifiers: Orphanet 506, MedGen C2931891, MONDO:0009723, OMIM 256000.

Allele frequency attached by ClinVar (database versions not stated): ExAC 0.00001; gnomAD 0.00001; gnomAD exomes 0.00001; TOPMed 0.00001.
gnomAD v4.1: 16 of 1,613,432 alleles (0.00099%); highest among the groups gnomAD compares: African/African-American, 0.0013%; no homozygotes.

Submissions (4):

Labcorp Genetics (formerly Invitae), Labcorp
Classification: Pathogenic. Last evaluated: 2024-12-02. Review status: criteria provided, single submitter. Criteria: Invitae Variant Classification Sherloc (09022015). Collection method: clinical testing. Allele origin: germline.
Comment: This sequence change replaces alanine, which is neutral and non-polar, with threonine, which is neutral and polar, at codon 117 of the NDUFV1 protein (p.Ala117Thr). The frequency data for this variant in the population databases is considered unreliable, as metrics indicate poor data quality at this position in the gnomAD database. This missense change has been observed in individual(s) with clinical features of mitochondrial complex I deficiency (PMID: 23631824, 32445240). In at least one individual the data is consistent with being in trans (on the opposite chromosome) from a pathogenic variant. It has also been observed to segregate with disease in related individuals. ClinVar contains an entry for this variant (Variation ID: 214851). Invitae Evidence Modeling of protein sequence and biophysical properties (such as structural, functional, and spatial information, amino acid conservation, physicochemical variation, residue mobility, and thermodynamic stability) indicates that this missense variant is expected to disrupt NDUFV1 protein function with a positive predictive value of 95%. Experimental studies have shown that this missense change affects NDUFV1 function (PMID: 26345448). For these reasons, this variant has been classified as Pathogenic.

Women's Health and Genetics/Laboratory Corporation of America, LabCorp
Classification: Likely pathogenic for Leigh syndrome. Last evaluated: 2024-11-15. Review status: criteria provided, single submitter. Criteria: LabCorp Variant Classification Summary - May 2015. Collection method: clinical testing. Allele origin: germline.
Comment: Variant summary: NDUFV1 c.349G>A (p.Ala117Thr) results in a non-conservative amino acid change located in the NADH-ubiquinone oxidoreductase 51kDa subunit, FMN-binding domain (IPR037225) of the encoded protein sequence. Five of five in-silico tools predict a damaging effect of the variant on protein function. The variant allele was found at a frequency of 8e-06 in 250000 control chromosomes. c.349G>A has been reported in the literature in compound heterozygous individuals affected with Leigh Syndrome (Dinwiddie_2013, Alves_2020). These data indicate that the variant may be associated with disease. At least one publication reports experimental evidence evaluating an impact on protein function. The most pronounced variant effect results in impaired NADH oxidation in yeast cells (Varghese_2015). The following publications have been ascertained in the context of this evaluation (PMID: 32445240, 23631824, 34052969, 25473036, 26345448). ClinVar contains an entry for this variant (Variation ID: 214851). Based on the evidence outlined above, the variant was classified as likely pathogenic.

GeneDx
Classification: Pathogenic. Last evaluated: 2024-04-26. Review status: criteria provided, single submitter. Criteria: GeneDx Variant Classification Process June 2021. Collection method: clinical testing. Allele origin: germline. Affected: yes.
Comment: Identified with a second NDUFV1 variant in a patient with clinical features of primary mitochondrial disorder in published literature (PMID: 32445240, 34052969); Published functional studies demonstrate a damaging effect: disrupt enzyme assembly or stability and result in loss of complex 1 expression (PMID: 26345448); In silico analysis supports that this missense variant has a deleterious effect on protein structure/function; Not observed at significant frequency in large population cohorts (gnomAD); This variant is associated with the following publications: (PMID: 23631824, 32445240, 26345448, 34052969)

Revvity Omics, Revvity
Classification: Uncertain significance for Mitochondrial complex I deficiency, nuclear type 4. Last evaluated: 2020-10-12. Review status: criteria provided, single submitter. Criteria: ACMG Guidelines, 2015. Collection method: clinical testing. Allele origin: germline.

Literature cited by the submitters: PubMed 23631824 (cited by Labcorp Genetics (formerly Invitae), Labcorp and Women's Health and Genetics/Laboratory Corporation of America, LabCorp); PubMed 32445240 (cited by Labcorp Genetics (formerly Invitae), Labcorp and Women's Health and Genetics/Laboratory Corporation of America, LabCorp); PubMed 26345448 (cited by Labcorp Genetics (formerly Invitae), Labcorp and Women's Health and Genetics/Laboratory Corporation of America, LabCorp); PubMed 34052969 (cited by Women's Health and Genetics/Laboratory Corporation of America, LabCorp); PubMed 25473036 (cited by Women's Health and Genetics/Laboratory Corporation of America, LabCorp).

NM_007103.4(NDUFV1):c.349G>A (p.Ala117Thr)

Gene: NDUFV1 (NADH:ubiquinone oxidoreductase core subunit V1; plus strand). Cytogenetic location: 11q13.2.
Variant type: single nucleotide variant.
Coding change: c.349G>A on transcript NM_007103.4 (MANE Select); coding-DNA position 349, G replaced by A.
Protein change: p.Ala117Thr; replaces alanine 117 with threonine.
Molecular consequence: missense variant.
Genome position (GRCh38, 1-based): chr11:67,609,474, G>A. VCF-style: chr11-67609474-G-A. GRCh37 (hg19) VCF-style: chr11-67376945-G-A.
Other names: p.A117T:GCA>ACA; c.322G>A, p.Ala108Thr (NM_001166102.2); short protein forms A117T, A108T.
Identifiers: ClinVar variation 214851 (VCV000214851.11), dbSNP rs757486575, ClinGen allele CA325310.